The following is an entry in ClinVar:

NM_006017.3(PROM1):c.1238T>A (p.Val413Asp)

Gene: PROM1 (prominin 1; minus strand). Cytogenetic location: 4p15.32.
Variant type: single nucleotide variant.
Coding change: c.1238T>A on transcript NM_006017.3 (MANE Select); coding-DNA position 1238, T replaced by A.
Protein change: p.Val413Asp; replaces valine 413 with aspartic acid.
Molecular consequence: missense variant.
Genome position (GRCh38, 1-based): chr4:16,009,012, A>T on the plus strand (T>A on the coding strand, the complement: PROM1 is on the minus strand). VCF-style: chr4-16009012-A-T. GRCh37 (hg19) VCF-style: chr4-16010635-A-T.
Other names: c.1211T>A, p.Val404Asp (NM_001145847.2, NM_001145848.2, NM_001145851.2 and 4 more transcripts); c.1238T>A, p.Val413Asp (NM_001145849.2, NM_001145850.2); short protein forms V404D, V413D.
Identifiers: ClinVar variation 866784 (VCV000866784.6), dbSNP rs563415711, ClinGen allele CA2866830.
Genomic context (GRCh38, chr4:16,009,012, plus strand): 5'-TATGAATCATACTCTTCCAATGTAGGTAAATTTCTGTGGATGTAACTTTCAGTGTTATTA[A>T]CATAAACAGAGAATGCTGAGAGTATATCCTGAATAGGAAGACGCTGAGTTACATTGTCGA-3'
Protein context (NP_006008.1, residues 403-423): QDILSAFSVY[Val413Asp]NNTESYIHRN

ClinVar aggregate classification (germline): Conflicting classifications of pathogenicity. Review status: criteria provided, conflicting classifications (1 of 4 stars). 3 submissions from 3 submitters: Likely pathogenic (1); Uncertain significance (2). Last evaluated 2025-11-15.

Conditions:
Retinitis pigmentosa 41 (RP41). Also called: RETINAL DEGENERATION, AUTOSOMAL RECESSIVE, PROMININ-RELATED. Identifiers: Orphanet 791, MedGen C2677516, MONDO:0012796, OMIM 612095.
PROM1-related disorder. Also called: PROM1-related condition; PROM1-related disorders.

Allele frequency attached by ClinVar (database versions not stated): gnomAD exomes below 0.00001 and 0.00002; gnomAD 0.00001; ExAC 0.00002; 1000 Genomes Project 30x 0.00016; 1000 Genomes Project 0.00020.
gnomAD v4.1: 5 of 1,595,042 alleles (0.00031%); highest among the groups gnomAD compares: East Asian, 0.011%; no homozygotes.

Submissions (3):

Labcorp Genetics (formerly Invitae), Labcorp
Classification: Uncertain significance. Last evaluated: 2025-11-15. Review status: criteria provided, single submitter. Criteria: Invitae Variant Classification Sherloc (09022015). Collection method: clinical testing. Allele origin: germline.
Comment: This sequence change replaces valine, which is neutral and non-polar, with aspartic acid, which is acidic and polar, at codon 413 of the PROM1 protein (p.Val413Asp). This variant is present in population databases (rs563415711, gnomAD 0.03%). This missense change has been observed in individual(s) with autosomal recessive retinitis pigmentosa (PMID: 24938718, 37975849). In at least one individual the data is consistent with being in trans (on the opposite chromosome) from a pathogenic variant. ClinVar contains an entry for this variant (Variation ID: 866784). Invitae Evidence Modeling of protein sequence and biophysical properties (such as structural, functional, and spatial information, amino acid conservation, physicochemical variation, residue mobility, and thermodynamic stability) indicates that this missense variant is not expected to disrupt PROM1 protein function with a negative predictive value of 80%. In summary, the available evidence is currently insufficient to determine the role of this variant in disease. Therefore, it has been classified as a Variant of Uncertain Significance.

3billion
Classification: Uncertain significance for Retinitis pigmentosa 41. Last evaluated: 2024-08-23. Review status: criteria provided, single submitter. Criteria: ACMG Guidelines, 2015. Collection method: clinical testing. Allele origin: germline. Affected: yes.
Comment: The variant is observed at an extremely low frequency in the gnomAD v4.0.0 dataset (total allele frequency: <0.001%). Predicted Consequence/Location: The majority of the known disease-causing variants of this gene are variants expected to result in premature termination of the protein. In silico tool predictions suggest damaging effect of the variant on gene or gene product [REVEL: 0.75 (>=0.6, sensitivity 0.68 and specificity 0.92); 3Cnet: 0.93 (>=0.6, sensitivity 0.72 and precision 0.9)]. The same nucleotide change resulting in the same amino acid change has been previously reported to be associated with PROM1 related disorder (ClinVar ID: VCV000866784 /PMID: 24938718). However, the evidence of pathogenicity is insufficient at this time. Therefore, this variant is classified as VUS according to the recommendation of ACMG/AMP guideline.

Blueprint Genetics
Classification: Likely pathogenic for PROM1-related disorders. Last evaluated: 2022-07-20. Review status: criteria provided, single submitter. Criteria: ACMG Guidelines, 2015. Collection method: clinical testing. Allele origin: germline. Affected: yes. Observed: 4 variant alleles.

Literature cited by the submitters: PubMed 24938718 (cited by Labcorp Genetics (formerly Invitae), Labcorp and 3billion); PubMed 37975849 (cited by Labcorp Genetics (formerly Invitae), Labcorp).